The following is an entry in ClinVar:

NM_001556.3(IKBKB):c.1027G>A (p.Asp343Asn)

Gene: IKBKB (inhibitor of nuclear factor kappa B kinase subunit beta; plus strand). Cytogenetic location: 8p11.21.
Variant type: single nucleotide variant.
Coding change: c.1027G>A on transcript NM_001556.3 (MANE Select); coding-DNA position 1027, G replaced by A.
Protein change: p.Asp343Asn; replaces aspartic acid 343 with asparagine.
Molecular consequence: missense variant. On other transcripts: non-coding transcript variant (3).
Genome position (GRCh38, 1-based): chr8:42,316,806, G>A. VCF-style: chr8-42316806-G-A. GRCh37 (hg19) VCF-style: chr8-42174324-G-A.
Other names: c.835G>A, p.Asp279Asn (NM_001190720.3); c.850G>A, p.Asp284Asn (NM_001242778.2); short protein forms D284N, D279N, D343N.
Identifiers: ClinVar variation 3672734 (VCV003672734.2).

ClinVar aggregate classification (germline): Uncertain significance (1 of 4 stars; one submission).

Conditions:
Severe combined immunodeficiency due to IKK2 deficiency. Also called: Immunodeficiency 15; IMMUNODEFICIENCY 15B. Identifiers: Orphanet 397787, MedGen C4747743, MONDO:0014267, OMIM 615592.

Submission:

Labcorp Genetics (formerly Invitae), Labcorp
Classification: Uncertain significance for Severe combined immunodeficiency due to IKK2 deficiency. Last evaluated: 2024-07-17. Review status: criteria provided, single submitter. Criteria: Invitae Variant Classification Sherloc (09022015). Collection method: clinical testing. Allele origin: germline.
Comment: This sequence change replaces aspartic acid, which is acidic and polar, with asparagine, which is neutral and polar, at codon 343 of the IKBKB protein (p.Asp343Asn). This variant is not present in population databases (gnomAD no frequency). This variant has not been reported in the literature in individuals affected with IKBKB-related conditions. Advanced modeling of protein sequence and biophysical properties (such as structural, functional, and spatial information, amino acid conservation, physicochemical variation, residue mobility, and thermodynamic stability) performed at Invitae indicates that this missense variant is not expected to disrupt IKBKB protein function with a negative predictive value of 95%. In summary, the available evidence is currently insufficient to determine the role of this variant in disease. Therefore, it has been classified as a Variant of Uncertain Significance.